The following is an entry in ClinVar:

ClinVar aggregate classification (germline): Conflicting classifications of pathogenicity. Review status: criteria provided, conflicting classifications (1 of 4 stars). 10 submissions from 8 submitters: Uncertain significance (5); Likely benign (5). Last evaluated 2025-11-26.

Conditions:
Ehlers-Danlos syndrome (EDS). Identifiers: Orphanet 98249, MedGen C0013720, MONDO:0020066.
Ehlers-Danlos syndrome, arthrochalasia type. Also called: Ehlers-Danlos syndrome, arthrochalasia type, 1; EDS VII, MUTANT PROCOLLAGEN TYPE; EDS VIIA; Ehlers-Danlos syndrome, arthrochalasis type; ARTHROCHALASIS MULTIPLEX CONGENITA. Identifiers: Orphanet 1899, Orphanet 99875, Orphanet 99876, MedGen C4551623, MONDO:0007525, OMIM 130060.
Infantile cortical hyperostosis. Also called: Caffey Disease; P1PK BLOOD GROUP SYSTEM, P(2) PHENOTYPE; Hyperostosis, Cortical, Congenital. Identifiers: Orphanet 1310, MedGen C0020497, MONDO:0007244, OMIM 114000.
Cardiovascular phenotype. Identifiers: MedGen CN230736.
Osteogenesis imperfecta (OI). Identifiers: Orphanet 666, MedGen C0029434, MeSH D010013, MONDO:0019019.
Osteogenesis imperfecta type I (OI1). Also called: Lobstein disease; Osteogenesis imperfecta type 1; Lobstein's Disease; Classic Non-deforming Osteogenesis Imperfecta with Blue Sclerae; OI, TYPE I; OSTEOGENESIS IMPERFECTA TARDA. Identifiers: Orphanet 216796, Orphanet 666, MedGen C0023931, MONDO:0008146, OMIM 166200. Disease mechanism: loss of function.

Allele frequency attached by ClinVar (database versions not stated): TOPMed 0.00012; 1000 Genomes Project 30x 0.00016.
gnomAD v4.1: 99 of 1,613,526 alleles (0.0061%); highest among the groups gnomAD compares: Admixed American, 0.05%; no homozygotes.

Submissions (10):

Women's Health and Genetics/Laboratory Corporation of America, LabCorp
Classification: Likely benign. Last evaluated: 2025-11-26. Review status: criteria provided, single submitter. Criteria: LabCorp Variant Classification Summary - May 2015. Collection method: clinical testing. Allele origin: germline.
Comment: Variant summary: COL1A1 c.1249C>T (p.Pro417Ser) results in a non-conservative amino acid change in the encoded protein sequence. Algorithms developed to predict the effect of missense changes on protein structure and function all suggest that this variant is likely to be disruptive. The variant allele was found at a frequency of 0.00012 in 250042 control chromosomes, predominantly at a frequency of 0.00061 within the Latino subpopulation in the gnomAD database. The observed variant frequency within Latino control individuals in the gnomAD database exceeds the estimated maximal expected allele frequency for disease-causing variants in COL1A1. To our knowledge, no occurrence of c.1249C>T in individuals affected with COL1A1-related conditions and no experimental evidence demonstrating its impact on protein function have been reported. ClinVar contains an entry for this variant (Variation ID: 387527). Based on the evidence outlined above, the variant was classified as likely benign.

Labcorp Genetics (formerly Invitae), Labcorp
Classification: Likely benign for Osteogenesis imperfecta type I. Last evaluated: 2025-08-24. Review status: criteria provided, single submitter. Criteria: Invitae Variant Classification Sherloc (09022015). Collection method: clinical testing. Allele origin: germline.

GeneDx
Classification: Uncertain significance. Last evaluated: 2025-04-02. Review status: criteria provided, single submitter. Criteria: GeneDx Variant Classification Process June 2021. Collection method: clinical testing. Allele origin: germline. Affected: yes.
Comment: Has not been previously published as pathogenic or benign to our knowledge; Occurs in the triple helical domain at the X position in the canonical Gly-X-Y repeat; although this variant may have an effect on normal protein folding and function, missense substitution at the X position is not a common mechanism of disease (HGMD); In silico analysis supports that this missense variant has a deleterious effect on protein structure/function

Blueprint Genetics
Classification: Likely benign. Last evaluated: 2024-05-20. Review status: criteria provided, single submitter. Criteria: ACMG Guidelines, 2015. Collection method: clinical testing. Allele origin: germline.

Ambry Genetics
Classification: Uncertain significance for Cardiovascular phenotype. Last evaluated: 2024-05-06. Review status: criteria provided, single submitter. Criteria: Ambry Variant Classification Scheme 2023. Collection method: clinical testing. Allele origin: germline.
Comment: The p.P417S variant (also known as c.1249C>T), located in coding exon 19 of the COL1A1 gene, results from a C to T substitution at nucleotide position 1249. The proline at codon 417 is replaced by serine, an amino acid with similar properties. This amino acid position is well conserved in available vertebrate species. In addition, the in silico prediction for this alteration is inconclusive. Based on the available evidence, the clinical significance of this variant remains unclear.

Genome Diagnostics Laboratory, The Hospital for Sick Children
Classification: Uncertain significance for Ehlers-Danlos syndrome. Last evaluated: 2020-08-27. Review status: criteria provided, single submitter. Criteria: ACMG Guidelines, 2015. Collection method: clinical testing. Allele origin: germline.

Illumina Laboratory Services, Illumina
Classification: Likely benign for Ehlers-Danlos syndrome, arthrochalasia type. Last evaluated: 2018-01-13. Review status: criteria provided, single submitter. Criteria: ICSL Variant Classification Criteria 13 December 2019. Collection method: clinical testing. Allele origin: germline.
Comment: This variant was observed in the ICSL laboratory as part of a predisposition screen in an ostensibly healthy population. It had not been previously curated by ICSL or reported in the Human Gene Mutation Database (HGMD: prior to June 1st, 2018), and was therefore a candidate for classification through an automated scoring system. Utilizing variant allele frequency, disease prevalence and penetrance estimates, and inheritance mode, an automated score was calculated to assess if this variant is too frequent to cause the disease. Based on the score and internal cut-off values, a variant classified as likely benign is not then subjected to further curation. The score for this variant resulted in a classification of likely benign for this disease.

Illumina Laboratory Services, Illumina
Classification: Uncertain significance for Infantile cortical hyperostosis. Last evaluated: 2018-01-13. Review status: criteria provided, single submitter. Criteria: ICSL Variant Classification Criteria 13 December 2019. Collection method: clinical testing. Allele origin: germline.

Illumina Laboratory Services, Illumina
Classification: Likely benign for Osteogenesis imperfecta. Last evaluated: 2018-01-13. Review status: criteria provided, single submitter. Criteria: ICSL Variant Classification Criteria 13 December 2019. Collection method: clinical testing. Allele origin: germline.
Comment: the same text as in the submission from Illumina Laboratory Services, Illumina above.

ARUP Laboratories, Molecular Genetics and Genomics, ARUP Laboratories
Classification: Uncertain significance. Last evaluated: 2017-01-30. Review status: criteria provided, single submitter. Criteria: ARUP Molecular Germline Variant Investigation Process. Collection method: clinical testing. Allele origin: germline.

NM_000088.4(COL1A1):c.1249C>T (p.Pro417Ser)

Gene: COL1A1 (collagen type I alpha 1 chain; minus strand). Cytogenetic location: 17q21.33.
Variant type: single nucleotide variant.
Coding change: c.1249C>T on transcript NM_000088.4 (MANE Select); coding-DNA position 1249, C replaced by T.
Protein change: p.Pro417Ser; replaces proline 417 with serine.
Molecular consequence: missense variant.
Genome position (GRCh38, 1-based): chr17:50,195,282, G>A on the plus strand (C>T on the coding strand, the complement: COL1A1 is on the minus strand). VCF-style: chr17-50195282-G-A. GRCh37 (hg19) VCF-style: chr17-48272643-G-A.
Other names: short protein forms P417S.
Identifiers: ClinVar variation 387527 (VCV000387527.30), dbSNP rs72648327, ClinGen allele CA8645334.
Genomic context (GRCh38, chr17:50,195,282, plus strand): 5'-TGGTACTCACGCTGTTACCCTTGGGACCAGGAGGGCCGCCGGGGCCCTGGGGTCCAGAGG[G>A]GCCTCGGGCACCAGGGAAGCCAGGAGCACCAGCAATACCAGGAGCACCCTGTGGGAGGCA-3'
Protein context (NP_000079.2, residues 407-427): GAPGFPGARG[Pro417Ser]SGPQGPGGPP